The following is an entry in ClinVar:

ClinVar aggregate classification (germline): Uncertain significance (1 of 4 stars; one submission).

Conditions:
Hereditary spastic paraplegia 48. Also called: Spastic paraplegia 48; SPASTIC PARAPLEGIA 48, AUTOSOMAL RECESSIVE. Identifiers: Orphanet 306511, MedGen C3150901, MONDO:0013342, OMIM 613647.

Allele frequency attached by ClinVar (database versions not stated): TOPMed 0.00001; ExAC 0.00007.

Submission:

Labcorp Genetics (formerly Invitae), Labcorp
Classification: Uncertain significance for Hereditary spastic paraplegia 48. Last evaluated: 2022-03-15. Review status: criteria provided, single submitter. Criteria: Invitae Variant Classification Sherloc (09022015). Collection method: clinical testing. Allele origin: germline.
Comment: This sequence change replaces valine, which is neutral and non-polar, with leucine, which is neutral and non-polar, at codon 218 of the AP5Z1 protein (p.Val218Leu). In summary, the available evidence is currently insufficient to determine the role of this variant in disease. Therefore, it has been classified as a Variant of Uncertain Significance. Algorithms developed to predict the effect of missense changes on protein structure and function (SIFT, PolyPhen-2, Align-GVGD) all suggest that this variant is likely to be tolerated. This variant has not been reported in the literature in individuals affected with AP5Z1-related conditions. The frequency data for this variant in the population databases is considered unreliable, as metrics indicate poor data quality at this position in the gnomAD database.

NM_014855.3(AP5Z1):c.652G>T (p.Val218Leu)

Gene: AP5Z1 (adaptor related protein complex 5 subunit zeta 1; plus strand). Cytogenetic location: 7p22.1.
Variant type: single nucleotide variant.
Coding change: c.652G>T on transcript NM_014855.3 (MANE Select); coding-DNA position 652, G replaced by T.
Protein change: p.Val218Leu; replaces valine 218 with leucine.
Molecular consequence: missense variant. On other transcripts: non-coding transcript variant (1).
Genome position (GRCh38, 1-based): chr7:4,784,233, G>T. VCF-style: chr7-4784233-G-T. GRCh37 (hg19) VCF-style: chr7-4823864-G-T.
Other names: c.184G>T, p.Val62Leu (NM_001364858.1); short protein forms V62L, V218L.
Identifiers: ClinVar variation 1926314 (VCV001926314.3), dbSNP rs757143181, ClinGen allele CA4137307.
Genomic context (GRCh38, chr7:4,784,233, plus strand): 5'-TCCGCCCACTCCTGCCTGTCCTTCCCACAGCCGGGCCCCGTCACCGAGGTGGACGGGGCG[G>T]TAGCCACAGACTTCTTCACGGTGCTCTCCAGCGGCCACCGCTTCACAGACGACCAGTGGC-3'
Protein context (NP_055670.1, residues 208-228): PGPVTEVDGA[Val218Leu]ATDFFTVLSS